The following is an entry in ClinVar:

ClinVar aggregate classification (germline): Conflicting classifications of pathogenicity. Review status: criteria provided, conflicting classifications (1 of 4 stars). 3 submissions from 3 submitters: Uncertain significance (2); Likely benign (1). Last evaluated 2026-09-09.

Conditions:
MAGEL2-related disorder. Also called: MAGEL2-related condition.

Allele frequency attached by ClinVar (database versions not stated): ESP Exome Variant Server 0.00008.
gnomAD v4.1: 76 of 1,613,732 alleles (0.0047%); highest among the groups gnomAD compares: Middle Eastern, 0.016%; no homozygotes.

Submissions (3):

PreventionGenetics, part of Exact Sciences
Classification: Uncertain significance for MAGEL2-related condition. Last evaluated: 2026-09-09. Review status: criteria provided, single submitter. Criteria: ACMG Guidelines, 2015. Collection method: clinical testing. Allele origin: germline.
Comment: The MAGEL2 c.2642G>A variant is predicted to result in the amino acid substitution p.Arg881His. To our knowledge, this variant has not been reported in the literature. This variant is reported in 0.012% of alleles in individuals of European (Non-Finnish) descent in gnomAD. At this time, the clinical significance of this variant is uncertain due to the absence of conclusive functional and genetic evidence.

CeGaT Center for Human Genetics Tuebingen
Classification: Likely benign. Last evaluated: 2025-03-01. Review status: criteria provided, single submitter. Criteria: CeGaT Center For Human Genetics Tuebingen Variant Classification Criteria Version 2. Collection method: clinical testing. Allele origin: germline. Affected: yes. Observed: 1 variant allele.
Comment: MAGEL2: BP1, BP4, BS2

Labcorp Genetics (formerly Invitae), Labcorp
Classification: Uncertain significance. Last evaluated: 2024-08-20. Review status: criteria provided, single submitter. Criteria: Invitae Variant Classification Sherloc (09022015). Collection method: clinical testing. Allele origin: germline.
Comment: This sequence change replaces arginine, which is basic and polar, with histidine, which is basic and polar, at codon 881 of the MAGEL2 protein (p.Arg881His). This variant is present in population databases (rs368034669, gnomAD 0.01%). This variant has not been reported in the literature in individuals affected with MAGEL2-related conditions. ClinVar contains an entry for this variant (Variation ID: 2185055). Invitae Evidence Modeling of protein sequence and biophysical properties (such as structural, functional, and spatial information, amino acid conservation, physicochemical variation, residue mobility, and thermodynamic stability) has been performed for this missense variant. However, the output from this modeling did not meet the statistical confidence thresholds required to predict the impact of this variant on MAGEL2 protein function. In summary, the available evidence is currently insufficient to determine the role of this variant in disease. Therefore, it has been classified as a Variant of Uncertain Significance.

NM_019066.5(MAGEL2):c.2642G>A (p.Arg881His)

Gene: MAGEL2 (MAGE family member L2; minus strand). Cytogenetic location: 15q11.2.
Variant type: single nucleotide variant.
Coding change: c.2642G>A on transcript NM_019066.5 (MANE Select); coding-DNA position 2642, G replaced by A.
Protein change: p.Arg881His; replaces arginine 881 with histidine.
Molecular consequence: missense variant.
Genome position (GRCh38, 1-based): chr15:23,645,101, C>T on the plus strand (G>A on the coding strand, the complement: MAGEL2 is on the minus strand). VCF-style: chr15-23645101-C-T. GRCh37 (hg19) VCF-style: chr15-23890248-C-T.
Other names: c.2642G>A (NM_019066.4); short protein forms R881H.
Identifiers: ClinVar variation 2185055 (VCV002185055.15), dbSNP rs368034669, ClinGen allele CA7429850.